The following is an entry in ClinVar:

NM_145886.4(PIDD1):c.1646G>T (p.Arg549Leu)

Gene: PIDD1 (p53-induced death domain protein 1; minus strand). Cytogenetic location: 11p15.5.
Variant type: single nucleotide variant.
Coding change: c.1646G>T on transcript NM_145886.4 (MANE Select); coding-DNA position 1646, G replaced by T.
Protein change: p.Arg549Leu; replaces arginine 549 with leucine.
Molecular consequence: missense variant.
Genome position (GRCh38, 1-based): chr11:801,105, C>A on the plus strand (G>T on the coding strand, the complement: PIDD1 is on the minus strand). VCF-style: chr11-801105-C-A. GRCh37 (hg19) VCF-style: chr11-801105-C-A.
Other names: c.1646G>T, p.Arg549Leu (NM_145887.4); short protein forms R549L.
Identifiers: ClinVar variation 3029933 (VCV003029933.2), dbSNP rs138401853, ClinGen allele CA5789924.

ClinVar aggregate classification (germline): Likely benign (0 of 4 stars; one submission).

Conditions:
PIDD1-related disorder. Also called: PIDD1-related condition.

gnomAD v4.1: 52 of 1,564,966 alleles (0.0033%); highest among the groups gnomAD compares: East Asian, 0.11%; no homozygotes.

Submission:

PreventionGenetics, part of Exact Sciences
Classification: Likely benign for PIDD1-related condition. Last evaluated: 2022-03-01. Review status: no assertion criteria provided. Collection method: clinical testing. Allele origin: germline.
Comment: This variant is classified as likely benign based on ACMG/AMP sequence variant interpretation guidelines (Richards et al. 2015 PMID: 25741868, with internal and published modifications).